The following is an entry in ClinVar:

NM_018975.4(TERF2IP):c.145G>A (p.Gly49Ser)

Gene: TERF2IP (TERF2 interacting protein; plus strand). Cytogenetic location: 16q23.1.
Variant type: single nucleotide variant.
Coding change: c.145G>A on transcript NM_018975.4 (MANE Select); coding-DNA position 145, G replaced by A.
Protein change: p.Gly49Ser; replaces glycine 49 with serine.
Molecular consequence: missense variant. On other transcripts: non-coding transcript variant (1).
Genome position (GRCh38, 1-based): chr16:75,648,027, G>A. VCF-style: chr16-75648027-G-A. GRCh37 (hg19) VCF-style: chr16-75681925-G-A.
Other names: short protein forms G49S.
Identifiers: ClinVar variation 1773124 (VCV001773124.6), dbSNP rs1010004423, ClinGen allele CA284334200.

ClinVar aggregate classification (germline): Uncertain significance. Review status: criteria provided, multiple submitters, no conflicts (2 of 4 stars). 2 submissions from 2 submitters: Uncertain significance (2). Last evaluated 2025-08-24.

Allele frequency attached by ClinVar (database versions not stated): gnomAD exomes 0.00002; TOPMed 0.00001; gnomAD 0.00001.

Submissions (2):

Labcorp Genetics (formerly Invitae), Labcorp
Classification: Uncertain significance. Last evaluated: 2025-08-24. Review status: criteria provided, single submitter. Criteria: Invitae Variant Classification Sherloc (09022015). Collection method: clinical testing. Allele origin: germline.
Comment: This sequence change replaces glycine, which is neutral and non-polar, with serine, which is neutral and polar, at codon 49 of the TERF2IP protein (p.Gly49Ser). The frequency data for this variant in the population databases is considered unreliable, as metrics indicate poor data quality at this position in the gnomAD database. This variant has not been reported in the literature in individuals affected with TERF2IP-related conditions. ClinVar contains an entry for this variant (Variation ID: 1773124). An algorithm developed to predict the effect of missense changes on protein structure and function (PolyPhen-2) suggests that this variant is likely to be disruptive. In summary, the available evidence is currently insufficient to determine the role of this variant in disease. Therefore, it has been classified as a Variant of Uncertain Significance.

Ambry Genetics
Classification: Uncertain significance. Last evaluated: 2025-03-31. Review status: criteria provided, single submitter. Criteria: Ambry Variant Classification Scheme 2023. Collection method: clinical testing. Allele origin: germline.